The following is an entry in ClinVar:

ClinVar aggregate classification (germline): Uncertain significance (1 of 4 stars; one submission).

Conditions:
Hypoplastic left heart syndrome. Also called: Hypoplastic left ventricle; Hypoplastic left heart. Identifiers: Orphanet 2248, MedGen C0152101, MONDO:0004933, HP:0004383.

Allele frequency attached by ClinVar (database versions not stated): ExAC 0.00001; gnomAD 0.00001; gnomAD exomes 0.00001; TOPMed 0.00001.

Submission:

Labcorp Genetics (formerly Invitae), Labcorp
Classification: Uncertain significance for Hypoplastic left heart syndrome. Last evaluated: 2025-09-30. Review status: criteria provided, single submitter. Criteria: Invitae Variant Classification Sherloc (09022015). Collection method: clinical testing. Allele origin: germline.
Comment: This sequence change replaces tryptophan, which is neutral and slightly polar, with cysteine, which is neutral and slightly polar, at codon 45 of the HAND1 protein (p.Trp45Cys). The frequency data for this variant in the population databases is considered unreliable, as metrics indicate poor data quality at this position in the gnomAD database. This variant has not been reported in the literature in individuals affected with HAND1-related conditions. ClinVar contains an entry for this variant (Variation ID: 1468337). An algorithm developed to predict the effect of missense changes on protein structure and function (PolyPhen-2) suggests that this variant is likely to be disruptive. In summary, the available evidence is currently insufficient to determine the role of this variant in disease. Therefore, it has been classified as a Variant of Uncertain Significance.

NM_004821.3(HAND1):c.135G>T (p.Trp45Cys)

Gene: HAND1 (heart and neural crest derivatives expressed 1; minus strand). Cytogenetic location: 5q33.2.
Variant type: single nucleotide variant.
Coding change: c.135G>T on transcript NM_004821.3 (MANE Select); coding-DNA position 135, G replaced by T.
Protein change: p.Trp45Cys; replaces tryptophan 45 with cysteine.
Molecular consequence: missense variant.
Genome position (GRCh38, 1-based): chr5:154,477,874, C>A on the plus strand (G>T on the coding strand, the complement: HAND1 is on the minus strand). VCF-style: chr5-154477874-C-A. GRCh37 (hg19) VCF-style: chr5-153857434-C-A.
Other names: short protein forms W45C.
Identifiers: ClinVar variation 1468337 (VCV001468337.6), dbSNP rs772706064, ClinGen allele CA3526633.